The following is an entry in ClinVar:

NM_020975.6(RET):c.2507G>A (p.Ser836Asn)

Gene: RET (ret proto-oncogene; plus strand). Cytogenetic location: 10q11.21.
Variant type: single nucleotide variant.
Coding change: c.2507G>A on transcript NM_020975.6 (MANE Select); coding-DNA position 2507, G replaced by A.
Protein change: p.Ser836Asn; replaces serine 836 with asparagine.
Molecular consequence: missense variant.
Genome position (GRCh38, 1-based): chr10:43,119,645, G>A. VCF-style: chr10-43119645-G-A. GRCh37 (hg19) VCF-style: chr10-43615093-G-A.
Other names: c.2111G>A, p.Ser704Asn (NM_001406772.1, NM_001406769.1); c.2069G>A, p.Ser690Asn (NM_001406773.1, NM_001406771.1); c.1982G>A, p.Ser661Asn (NM_001406774.1); c.1781G>A, p.Ser594Asn (NM_001406775.1, NM_001406776.1, NM_001406777.1 and 1 more transcripts); c.1610G>A, p.Ser537Asn (NM_001406779.1, NM_001406780.1, NM_001406781.1 and 1 more transcripts); c.1481G>A, p.Ser494Asn (NM_001406783.1, NM_001406786.1); c.1517G>A, p.Ser506Asn (NM_001406784.1); c.1490G>A, p.Ser497Asn (NM_001406785.1); and 10 more; short protein forms S582N, S836N, S401N, S690N, S441N, S506N, S594N, S704N.
Identifiers: ClinVar variation 1057066 (VCV001057066.10), dbSNP rs1280808741, ClinGen allele CA376556409.

ClinVar aggregate classification (germline): Uncertain significance (1 of 4 stars; one submission).

Conditions:
Multiple endocrine neoplasia, type 2 (MEN2). Identifiers: Orphanet 653, MedGen C4048306, MONDO:0019003. Disease mechanism: gain of function.

Submission:

Labcorp Genetics (formerly Invitae), Labcorp
Classification: Uncertain significance for Multiple endocrine neoplasia, type 2. Last evaluated: 2020-07-21. Review status: criteria provided, single submitter. Criteria: Invitae Variant Classification Sherloc (09022015). Collection method: clinical testing. Allele origin: germline.
Comment: In summary, the available evidence is currently insufficient to determine the role of this variant in disease. Therefore, it has been classified as a Variant of Uncertain Significance. Algorithms developed to predict the effect of missense changes on protein structure and function (SIFT, PolyPhen-2, Align-GVGD) all suggest that this variant is likely to be tolerated, but these predictions have not been confirmed by published functional studies and their clinical significance is uncertain. This variant has not been reported in the literature in individuals with RET-related conditions. This variant is not present in population databases (ExAC no frequency). This sequence change replaces serine with asparagine at codon 836 of the RET protein (p.Ser836Asn). The serine residue is highly conserved and there is a small physicochemical difference between serine and asparagine.